The following is an entry in ClinVar:

NM_000069.3(CACNA1S):c.1635G>A (p.Leu545=)

Gene: CACNA1S (calcium voltage-gated channel subunit alpha1 S; minus strand). Cytogenetic location: 1q32.1.
Variant type: single nucleotide variant.
Coding change: c.1635G>A on transcript NM_000069.3 (MANE Select); coding-DNA position 1635, G replaced by A.
Protein change: p.Leu545=; no amino-acid change (leucine 545 retained).
Molecular consequence: synonymous variant.
Genome position (GRCh38, 1-based): chr1:201,077,112, C>T on the plus strand (G>A on the coding strand, the complement: CACNA1S is on the minus strand). VCF-style: chr1-201077112-C-T. GRCh37 (hg19) VCF-style: chr1-201046240-C-T.
Identifiers: ClinVar variation 3072331 (VCV003072331.1), dbSNP rs2464567367, ClinGen allele CA422689567.

ClinVar aggregate classification (germline): Likely benign (1 of 4 stars; one submission).

Conditions:
Malignant hyperthermia, susceptibility to, 5 (MHS5). Also called: CACNA1S-Related Malignant Hyperthermia Susceptibility. Identifiers: Orphanet 423, MedGen C1866077, MONDO:0011163, OMIM 601887.

Submission:

All of Us Research Program, National Institutes of Health
Classification: Likely benign for Malignant hyperthermia, susceptibility to, 5. Last evaluated: 2023-07-10. Review status: criteria provided, single submitter. Criteria: ACMG Guidelines, 2015. Collection method: clinical testing. Allele origin: germline. Inheritance: Autosomal dominant inheritance. Observed: 1 variant allele, 1 heterozygote.
Comment: This study involves interpretation of variants in research participants for the purpose of population health screening. Participant phenotype was not available at the time of variant classification. Additional details can be found in publication PMID: 35346344, PMCID: PMC8962531